The following is an entry in ClinVar:

NM_001009944.3(PKD1):c.7127A>G (p.Gln2376Arg)

Gene: PKD1 (polycystin 1, transient receptor potential channel interacting; minus strand). Cytogenetic location: 16p13.3.
Variant type: single nucleotide variant.
Coding change: c.7127A>G on transcript NM_001009944.3 (MANE Select); coding-DNA position 7127, A replaced by G.
Protein change: p.Gln2376Arg; replaces glutamine 2376 with arginine.
Molecular consequence: missense variant.
Genome position (GRCh38, 1-based): chr16:2,106,887, T>C on the plus strand (A>G on the coding strand, the complement: PKD1 is on the minus strand). VCF-style: chr16-2106887-T-C. GRCh37 (hg19) VCF-style: chr16-2156888-T-C.
Other names: c.7127A>G, p.Gln2376Arg (NM_000296.4); short protein forms Q2376R.
Identifiers: ClinVar variation 3579295 (VCV003579295.5).
Genomic context (GRCh38, chr16:2,106,887, plus strand): 5'-CAATTGAGGCAGCGGCCCTCCAAGTACACGTAGGAGCTGCGGCTCACTTCGTACACGGCC[T>C]GTGCCTTGCAGGACACACACTCCAAGGACACAATGGGCACCCGGCCACTCCGGATCAGCA-3'
Protein context (NP_001009944.3, residues 2366-2386): VSLECVSCKA[Gln2376Arg]AVYEVSRSSY

ClinVar aggregate classification (germline): Uncertain significance. Review status: criteria provided, multiple submitters, no conflicts (2 of 4 stars). 4 submissions from 4 submitters: Uncertain significance (4). Last evaluated 2025-04-11.

Conditions:
Polycystic kidney disease, adult type (PKD1). Also called: POLYCYSTIC KIDNEY DISEASE 1 WITH OR WITHOUT POLYCYSTIC LIVER DISEASE; Polycystic Kidney Disease 1, Autosomal Dominant; Polycystic kidney disease 1; Polycystic kidney disease 1, severe; Polycystic Kidney, Autosomal Dominant; POLYCYSTIC KIDNEY DISEASE, ADULT, TYPE I. Identifiers: MedGen C3149841, MONDO:0008263, OMIM 173900.

gnomAD v4.1: 9 of 1,556,708 alleles (0.00058%); highest among the groups gnomAD compares: African/African-American, 0.0085%; no homozygotes.

Submissions (4):

GeneDx
Classification: Uncertain significance. Last evaluated: 2025-04-11. Review status: criteria provided, single submitter. Criteria: GeneDx Variant Classification Process June 2021. Collection method: clinical testing. Allele origin: germline. Affected: yes.
Comment: Not observed at significant frequency in large population cohorts (gnomAD); In silico analysis indicates that this missense variant does not alter protein structure/function; Has been observed in a patient with reported ADPKD presenting with cystic liver disease; this individual also harbored a pathogenic variant in PKD2 (PMID: 38689396); This variant is associated with the following publications: (PMID: 38689396)

Fulgent Genetics
Classification: Uncertain significance for Polycystic kidney disease, adult type. Last evaluated: 2024-02-07. Review status: criteria provided, single submitter. Criteria: ACMG Guidelines, 2015. Collection method: clinical testing. Allele origin: germline.

Blueprint Genetics
Classification: Uncertain significance. Last evaluated: 2023-10-18. Review status: criteria provided, single submitter. Criteria: ACMG Guidelines, 2015. Collection method: clinical testing. Allele origin: germline.

Genetic Services Laboratory, University of Chicago
Classification: Uncertain significance. Last evaluated: 2023-03-31. Review status: criteria provided, single submitter. Criteria: ACMG Guidelines, 2015. Collection method: clinical testing. Allele origin: germline. Affected: no.
Comment: DNA sequence analysis of the PKD1 gene demonstrated a sequence change, c.7127A>G, in exon 17 that results in an amino acid change, p.Gln2376Arg. This sequence change has been described in the gnomAD database in one individual corresponding to a population frequency of 0.0005% (dbSNP rs1240731985). The p.Gln2376Arg change affects a highly conserved amino acid residue located in a domain of the PKD1 protein that is known to be functional. In-silico pathogenicity prediction tools (SIFT, PolyPhen2, Align GVGD, REVEL) provide contradictory results for the p.Gln2376Arg substitution. This sequence change does not appear to have been previously described in individuals with PKD1-related disorders. Due to insufficient evidences and the lack of functional studies, the clinical significance of the p.Gln2376Arg change remains unknown at this time.